The following is an entry in ClinVar:

NM_001540.5(HSPB1):c.331G>A (p.Val111Ile)

Gene: HSPB1 (heat shock protein family B (small) member 1; plus strand). Cytogenetic location: 7q11.23.
Variant type: single nucleotide variant.
Coding change: c.331G>A on transcript NM_001540.5 (MANE Select); coding-DNA position 331, G replaced by A.
Protein change: p.Val111Ile; replaces valine 111 with isoleucine.
Molecular consequence: missense variant.
Genome position (GRCh38, 1-based): chr7:76,303,043, G>A. VCF-style: chr7-76303043-G-A. GRCh37 (hg19) VCF-style: chr7-75932360-G-A.
Other names: short protein forms V111I.
Identifiers: ClinVar variation 1038535 (VCV001038535.8), dbSNP rs1803031093, ClinGen allele CA367763592.
Genomic context (GRCh38, chr7:76,303,043, plus strand): 5'-ACTGCGGACCGCTGGCGCGTGTCCCTGGATGTCAACCACTTCGCCCCGGACGAGCTGACG[G>A]TCAAGACCAAGGATGGCGTGGTGGAGATCACCGGTGAGCCCCCCTGCTCCTGCAGGGGAG-3'
Protein context (NP_001531.1, residues 101-121): VNHFAPDELT[Val111Ile]KTKDGVVEIT

ClinVar aggregate classification (germline): Uncertain significance (1 of 4 stars; one submission).

Conditions:
Charcot-Marie-Tooth disease axonal type 2F (CMT2F). Also called: CHARCOT-MARIE-TOOTH DISEASE, NEURONAL, TYPE 2F; Charcot-Marie-Tooth Neuropathy Type 2F. Identifiers: Orphanet 99940, MedGen C1847823, MONDO:0011687, OMIM 606595.

Submission:

Labcorp Genetics (formerly Invitae), Labcorp
Classification: Uncertain significance for Charcot-Marie-Tooth disease axonal type 2F. Last evaluated: 2023-08-11. Review status: criteria provided, single submitter. Criteria: Invitae Variant Classification Sherloc (09022015). Collection method: clinical testing. Allele origin: germline.
Comment: Algorithms developed to predict the effect of missense changes on protein structure and function output the following: SIFT: "Not Available"; PolyPhen-2: "Benign"; Align-GVGD: "Not Available". The isoleucine amino acid residue is found in multiple mammalian species, which suggests that this missense change does not adversely affect protein function. In summary, the available evidence is currently insufficient to determine the role of this variant in disease. Therefore, it has been classified as a Variant of Uncertain Significance. ClinVar contains an entry for this variant (Variation ID: 1038535). This sequence change replaces valine, which is neutral and non-polar, with isoleucine, which is neutral and non-polar, at codon 111 of the HSPB1 protein (p.Val111Ile). This variant is not present in population databases (gnomAD no frequency). This variant has not been reported in the literature in individuals affected with HSPB1-related conditions.